The following is an entry in ClinVar:

ClinVar aggregate classification (germline): Uncertain significance (1 of 4 stars; one submission).

Conditions:
Charcot-Marie-Tooth disease axonal type 2O. Also called: CHARCOT-MARIE-TOOTH NEUROPATHY, AXONAL, TYPE 2O; CHARCOT-MARIE-TOOTH DISEASE, AXONAL, AUTOSOMAL DOMINANT, TYPE 2O; Charcot-Marie-Tooth Neuropathy Type 2O; Charcot-Marie-Tooth disease, axonal, type 20. Identifiers: Orphanet 284232, MedGen C3280220, MONDO:0013644, OMIM 614228.

Submission:

Labcorp Genetics (formerly Invitae), Labcorp
Classification: Uncertain significance for Charcot-Marie-Tooth disease axonal type 2O. Last evaluated: 2026-01-11. Review status: criteria provided, single submitter. Criteria: Invitae Variant Classification Sherloc (09022015). Collection method: clinical testing. Allele origin: germline.
Comment: This sequence change replaces glutamic acid, which is acidic and polar, with lysine, which is basic and polar, at codon 2996 of the DYNC1H1 protein (p.Glu2996Lys). This variant is not present in population databases (gnomAD no frequency). This variant has not been reported in the literature in individuals affected with DYNC1H1-related conditions. Invitae Evidence Modeling of protein sequence and biophysical properties (such as structural, functional, and spatial information, amino acid conservation, physicochemical variation, residue mobility, and thermodynamic stability) indicates that this missense variant is expected to disrupt DYNC1H1 protein function with a positive predictive value of 95%. In summary, the available evidence is currently insufficient to determine the role of this variant in disease. Therefore, it has been classified as a Variant of Uncertain Significance.

NM_001376.5(DYNC1H1):c.8986G>A (p.Glu2996Lys)

Genes: DYNC1H1 (dynein cytoplasmic 1 heavy chain 1; plus strand), LOC126862060 (BRD4-independent group 4 enhancer GRCh37_chr14:102493659-102494858; plus strand). Cytogenetic location: 14q32.31.
Variant type: single nucleotide variant.
Coding change: c.8986G>A on transcript NM_001376.5 (MANE Select); coding-DNA position 8986, G replaced by A.
Protein change: p.Glu2996Lys; replaces glutamic acid 2996 with lysine.
Molecular consequence: missense variant.
Genome position (GRCh38, 1-based): chr14:102,027,482, G>A. VCF-style: chr14-102027482-G-A. GRCh37 (hg19) VCF-style: chr14-102493819-G-A.
Other names: short protein forms E2996K.
Identifiers: ClinVar variation 4802069 (VCV004802069.1).